The following is an entry in ClinVar:

ClinVar aggregate classification (germline): Likely benign (0 of 4 stars; one submission).

Conditions:
KIDINS220-related disorder. Also called: KIDINS220-related condition.

gnomAD v4.1: 3 of 1,613,550 alleles (0.00019%); highest among the groups gnomAD compares: African/African-American, 0.0027%; no homozygotes.

Submission:

PreventionGenetics, part of Exact Sciences
Classification: Likely benign for KIDINS220-related condition. Last evaluated: 2024-04-25. Review status: no assertion criteria provided. Collection method: clinical testing. Allele origin: germline.
Comment: This variant is classified as likely benign based on ACMG/AMP sequence variant interpretation guidelines (Richards et al. 2015 PMID: 25741868, with internal and published modifications).

NM_020738.4(KIDINS220):c.705T>C (p.Asp235=)

Gene: KIDINS220 (kinase D interacting substrate 220; minus strand). Cytogenetic location: 2p25.1.
Variant type: single nucleotide variant.
Coding change: c.705T>C on transcript NM_020738.4 (MANE Select); coding-DNA position 705, T replaced by C.
Protein change: p.Asp235=; no amino-acid change (aspartic acid 235 retained).
Molecular consequence: synonymous variant. On other transcripts: non-coding transcript variant (2).
Genome position (GRCh38, 1-based): chr2:8,803,026, A>G on the plus strand (T>C on the coding strand, the complement: KIDINS220 is on the minus strand). VCF-style: chr2-8803026-A-G. GRCh37 (hg19) VCF-style: chr2-8943156-A-G.
Other names: c.708T>C, p.Asp236= (NM_001348729.2, NM_001348731.2, NM_001348734.2 and 3 more transcripts); c.705T>C, p.Asp235= (NM_001348732.2, NM_001348735.2, NM_001348738.2 and 3 more transcripts); c.579T>C, p.Asp193= (NM_001348736.2).
Identifiers: ClinVar variation 3353596 (VCV003353596.1).